The following is an entry in ClinVar:

NM_020778.5(ALPK3):c.89G>C (p.Trp30Ser)

Gene: ALPK3 (alpha kinase 3; plus strand). Cytogenetic location: 15q25.3.
Variant type: single nucleotide variant.
Coding change: c.89G>C on transcript NM_020778.5 (MANE Select); coding-DNA position 89, G replaced by C.
Protein change: p.Trp30Ser; replaces tryptophan 30 with serine.
Molecular consequence: missense variant.
Genome position (GRCh38, 1-based): chr15:84,817,541, G>C. VCF-style: chr15-84817541-G-C. GRCh37 (hg19) VCF-style: chr15-85360772-G-C.
Other names: c.695G>C (NM_020778.4); short protein forms W30S.
Identifiers: ClinVar variation 2078411 (VCV002078411.5), dbSNP rs1293883271, ClinGen allele CA393369442.

ClinVar aggregate classification (germline): Uncertain significance. Review status: criteria provided, multiple submitters, no conflicts (2 of 4 stars). 2 submissions from 2 submitters: Uncertain significance (2). Last evaluated 2025-12-08.

Conditions:
Cardiovascular phenotype. Identifiers: MedGen CN230736.

Allele frequency attached by ClinVar (database versions not stated): gnomAD exomes below 0.00001.
gnomAD v4.1: 4 of 1,500,228 alleles (0.00027%); highest among the groups gnomAD compares: Non-Finnish European, 0.00035%; no homozygotes.

Submissions (2):

Labcorp Genetics (formerly Invitae), Labcorp
Classification: Uncertain significance. Last evaluated: 2025-12-08. Review status: criteria provided, single submitter. Criteria: Invitae Variant Classification Sherloc (09022015). Collection method: clinical testing. Allele origin: germline.
Comment: This sequence change replaces tryptophan, which is neutral and slightly polar, with serine, which is neutral and polar, at codon 232 of the ALPK3 protein (p.Trp232Ser). This variant is present in population databases (no rsID available, gnomAD 0.003%). This variant has not been reported in the literature in individuals affected with ALPK3-related conditions. ClinVar contains an entry for this variant (Variation ID: 2078411). An algorithm developed to predict the effect of missense changes on protein structure and function (PolyPhen-2) suggests that this variant is likely to be disruptive. In summary, the available evidence is currently insufficient to determine the role of this variant in disease. Therefore, it has been classified as a Variant of Uncertain Significance.

Ambry Genetics
Classification: Uncertain significance for Cardiovascular phenotype. Last evaluated: 2024-12-05. Review status: criteria provided, single submitter. Criteria: Ambry Variant Classification Scheme 2023. Collection method: clinical testing. Allele origin: germline.
Comment: The p.W232S variant (also known as c.695G>C), located in coding exon 1 of the ALPK3 gene, results from a G to C substitution at nucleotide position 695. The tryptophan at codon 232 is replaced by serine, an amino acid with highly dissimilar properties. This amino acid position is conserved. In addition, the in silico prediction for this alteration is inconclusive. Based on the available evidence, the clinical significance of this variant remains unclear.